The following is an entry in ClinVar:

NM_014974.3(DIP2C):c.3123AGC[1] (p.Ala1043del)

Gene: DIP2C (disco interacting protein 2 homolog C; minus strand). Cytogenetic location: 10p15.3.
Variant type: Microsatellite.
Coding change: c.3123AGC[1] on transcript NM_014974.3 (MANE Select); one copy of the 3-base unit AGC starting at c.3123; the reference has two copies in a row; one copy, 3 bases deleted.
Protein change: p.Ala1043del; deletes alanine 1043.
Genome position (GRCh38, 1-based): chr10:348,744-348,746, GCT deleted on the plus strand (AGC on the coding strand, the reverse complement: DIP2C is on the minus strand); deleting any 3 consecutive bases within chr10:348,744-348,749 gives the same sequence; the position shown is the placement nearest the transcript's 3' end. VCF-style (leftmost placement, unchanged base first): chr10-348743-CGCT-C. GRCh37 (hg19) VCF-style: chr10-394683-CGCT-C.
Other names: short protein forms A1043del.
Identifiers: ClinVar variation 4082615 (VCV004082615.1).

ClinVar aggregate classification (germline): Uncertain significance (1 of 4 stars; one submission).

Submission:

GeneDx
Classification: Uncertain significance. Last evaluated: 2025-03-02. Review status: criteria provided, single submitter. Criteria: GeneDx Variant Classification Process June 2021. Collection method: clinical testing. Allele origin: germline. Affected: yes.
Comment: Not observed at significant frequency in large population cohorts (gnomAD); In-frame deletion of 1 amino acid in a non-repeat region; In silico analysis supports a deleterious effect on protein structure/function; Has not been previously published as pathogenic or benign to our knowledge